The following is an entry in ClinVar:

ClinVar aggregate classification (germline): Conflicting classifications of pathogenicity. Review status: criteria provided, conflicting classifications (1 of 4 stars). 2 submissions from 2 submitters: Uncertain significance (1); Likely benign (1). Last evaluated 2024-10-22.

Conditions:
Vici syndrome (VICIS). Identifiers: Orphanet 1493, MedGen C1855772, MONDO:0009452, OMIM 242840.
Inborn genetic diseases. Identifiers: MedGen C0950123, MeSH D030342.

Allele frequency attached by ClinVar (database versions not stated): ExAC 0.00002; gnomAD 0.00002 and 0.00003; gnomAD exomes 0.00004 and 0.00009; TOPMed 0.00005; ESP Exome Variant Server 0.00016.

Submissions (2):

Labcorp Genetics (formerly Invitae), Labcorp
Classification: Uncertain significance for Vici syndrome. Last evaluated: 2024-10-22. Review status: criteria provided, single submitter. Criteria: Invitae Variant Classification Sherloc (09022015). Collection method: clinical testing. Allele origin: germline.
Comment: This sequence change replaces glycine, which is neutral and non-polar, with alanine, which is neutral and non-polar, at codon 225 of the EPG5 protein (p.Gly225Ala). This variant is present in population databases (rs200910594, gnomAD 0.01%). This variant has not been reported in the literature in individuals affected with EPG5-related conditions. ClinVar contains an entry for this variant (Variation ID: 581573). Invitae Evidence Modeling of protein sequence and biophysical properties (such as structural, functional, and spatial information, amino acid conservation, physicochemical variation, residue mobility, and thermodynamic stability) indicates that this missense variant is not expected to disrupt EPG5 protein function with a negative predictive value of 80%. In summary, the available evidence is currently insufficient to determine the role of this variant in disease. Therefore, it has been classified as a Variant of Uncertain Significance.

Ambry Genetics
Classification: Likely benign for Inborn genetic diseases. Last evaluated: 2024-08-01. Review status: criteria provided, single submitter. Criteria: Ambry Variant Classification Scheme 2023. Collection method: clinical testing. Allele origin: germline.

NM_020964.3(EPG5):c.674G>C (p.Gly225Ala)

Gene: EPG5 (ectopic P-granules 5 autophagy tethering factor; minus strand). Cytogenetic location: 18q21.1.
Variant type: single nucleotide variant.
Coding change: c.674G>C on transcript NM_020964.3 (MANE Select); coding-DNA position 674, G replaced by C.
Protein change: p.Gly225Ala; replaces glycine 225 with alanine.
Molecular consequence: missense variant.
Genome position (GRCh38, 1-based): chr18:45,954,728, C>G on the plus strand (G>C on the coding strand, the complement: EPG5 is on the minus strand). VCF-style: chr18-45954728-C-G. GRCh37 (hg19) VCF-style: chr18-43534694-C-G.
Other names: c.674G>C, p.Gly225Ala (LRG_1234t1); short protein forms G225A.
Identifiers: ClinVar variation 581573 (VCV000581573.11), dbSNP rs200910594, ClinGen allele CA8949911.